The following is an entry in ClinVar:

ClinVar aggregate classification (germline): Uncertain significance (1 of 4 stars; one submission).

Conditions:
Familial melanoma. Also called: Hereditary melanoma; Hereditary cutaneous melanoma. Identifiers: Orphanet 618, MedGen C1512419, MONDO:0018961.

Submission:

Labcorp Genetics (formerly Invitae), Labcorp
Classification: Uncertain significance for Familial melanoma. Last evaluated: 2025-07-30. Review status: criteria provided, single submitter. Criteria: Invitae Variant Classification Sherloc (09022015). Collection method: clinical testing. Allele origin: germline.
Comment: This sequence change creates a premature translational stop signal (p.Glu303*) in the CDK4 gene. While this is not anticipated to result in nonsense mediated decay, it is expected to disrupt the last 1 amino acid(s) of the CDK4 protein. This variant is not present in population databases (gnomAD no frequency). This variant has not been reported in the literature in individuals affected with CDK4-related conditions. ClinVar contains an entry for this variant (Variation ID: 2746564). Experimental studies and prediction algorithms are not available or were not evaluated, and the functional significance of this variant is currently unknown. In summary, the available evidence is currently insufficient to determine the role of this variant in disease. Therefore, it has been classified as a Variant of Uncertain Significance.

NM_000075.4(CDK4):c.907G>T (p.Glu303Ter)

Genes: CDK4 (cyclin dependent kinase 4; minus strand), TSPAN31 (tetraspanin 31; plus strand). Cytogenetic location: 12q14.1.
Variant type: single nucleotide variant.
Coding change: c.907G>T on transcript NM_000075.4 (MANE Select); coding-DNA position 907, G replaced by T.
Protein change: p.Glu303Ter; replaces glutamic acid 303 with a stop codon.
Molecular consequence: nonsense. On other transcripts: 3 prime UTR variant (3).
Genome position (GRCh38, 1-based): chr12:57,748,530, C>A on the plus strand (G>T on the coding strand, the complement: CDK4 is on the minus strand). VCF-style: chr12-57748530-C-A. GRCh37 (hg19) VCF-style: chr12-58142313-C-A.
Other names: c.*1240C>A (NM_001330168.2, NM_001330169.2, NM_005981.5); short protein forms E303*.
Identifiers: ClinVar variation 2746564 (VCV002746564.3), dbSNP rs1253318687, ClinGen allele CA385542130.